The following is an entry in ClinVar:

ClinVar aggregate classification (germline): Likely benign. Review status: criteria provided, multiple submitters, no conflicts (2 of 4 stars). 4 submissions from 4 submitters: Likely benign (4). Last evaluated 2026-04-21.

Conditions:
Cardiovascular phenotype. Identifiers: MedGen CN230736.
TTN-related disorder. Also called: TTN-related condition; TTN-related disease; TTN-related disorders.
Autosomal recessive limb-girdle muscular dystrophy type 2J (LGMDR10). Also called: MUSCULAR DYSTROPHY, LIMB-GIRDLE, AUTOSOMAL RECESSIVE 10; Limb-girdle muscular dystrophy, type 2J. Identifiers: Orphanet 140922, MedGen C1837342, MONDO:0012127, OMIM 608807.
Dilated cardiomyopathy 1G (CMD1G). Identifiers: Orphanet 154, MedGen C1858763, MONDO:0011400, OMIM 604145.

Allele frequency attached by ClinVar (database versions not stated): TOPMed 0.00001.
gnomAD v4.1: 11 of 1,613,632 alleles (0.00068%); highest among the groups gnomAD compares: Admixed American, 0.013%; no homozygotes.

Submissions (4):

PreventionGenetics, part of Exact Sciences
Classification: Likely benign for TTN-related condition. Last evaluated: 2026-04-21. Review status: criteria provided, single submitter. Criteria: ACMG Guidelines, 2015. Collection method: clinical testing. Allele origin: germline.
Comment: This variant is classified as likely benign based on ACMG/AMP sequence variant interpretation guidelines (Richards et al. 2015 PMID: 25741868, with internal and published modifications).

Labcorp Genetics (formerly Invitae), Labcorp
Classification: Likely benign for Dilated cardiomyopathy 1G; Autosomal recessive limb-girdle muscular dystrophy type 2J. Last evaluated: 2026-01-04. Review status: criteria provided, single submitter. Criteria: Invitae Variant Classification Sherloc (09022015). Collection method: clinical testing. Allele origin: germline.

Women's Health and Genetics/Laboratory Corporation of America, LabCorp
Classification: Likely benign. Last evaluated: 2022-07-10. Review status: criteria provided, single submitter. Criteria: LabCorp Variant Classification Summary - May 2015. Collection method: clinical testing. Allele origin: germline.

Ambry Genetics
Classification: Likely benign for Cardiovascular phenotype. Last evaluated: 2013-09-13. Review status: criteria provided, single submitter. Criteria: Ambry Autosomal Dominant and X-Linked criteria (10/2015). Collection method: clinical testing. Allele origin: germline. Observed: 1 variant allele.

NM_001267550.2(TTN):c.99567C>G (p.Leu33189=)

Genes: TTN (titin; minus strand), TTN-AS1 (TTN antisense RNA 1; plus strand). Cytogenetic location: 2q31.2.
Variant type: single nucleotide variant.
Coding change: c.99567C>G on transcript NM_001267550.2 (MANE Select); coding-DNA position 99567, C replaced by G.
Protein change: p.Leu33189=; no amino-acid change (leucine 33189 retained).
Molecular consequence: synonymous variant. On other transcripts: non-coding transcript variant (1).
Genome position (GRCh38, 1-based): chr2:178,537,640, G>C on the plus strand (C>G on the coding strand, the complement: TTN is on the minus strand). VCF-style: chr2-178537640-G-C. GRCh37 (hg19) VCF-style: chr2-179402367-G-C.
Other names: c.94644C>G, p.Leu31548= (NM_001256850.1); c.72372C>G, p.Leu24124= (NM_003319.4); c.91863C>G, p.Leu30621= (NM_133378.4); c.72747C>G, p.Leu24249= (NM_133432.3); c.72948C>G, p.Leu24316= (NM_133437.4).
Identifiers: ClinVar variation 263714 (VCV000263714.19), dbSNP rs745708104, ClinGen allele CA1986171.
Genomic context (GRCh38, chr2:178,537,640, plus strand): 5'-AGCTCCATAATATTTCTCTTTCAGTGGGTAACCAGGATGGAACTGCGGTGTTGCTTGCAG[G>C]AGAAGCTTACTACTGGTTTCTACTTCTCCAACCTCATTGGTGGCTATGCAGGTATAAACA-3'
Protein context (NP_001254479.2, residues 33179-33199): VGEVETSSKL[Leu33189=]LQATPQFHPG